The following is an entry in ClinVar:

NM_000059.4(BRCA2):c.6901G>A (p.Glu2301Lys)

Gene: BRCA2 (BRCA2 DNA repair associated; plus strand). Cytogenetic location: 13q13.1.
Variant type: single nucleotide variant.
Coding change: c.6901G>A on transcript NM_000059.4 (MANE Select); coding-DNA position 6901, G replaced by A.
Protein change: p.Glu2301Lys; replaces glutamic acid 2301 with lysine.
Molecular consequence: missense variant.
Genome position (GRCh38, 1-based): chr13:32,344,617, G>A. VCF-style: chr13-32344617-G-A. GRCh37 (hg19) VCF-style: chr13-32918754-G-A.
Other names: short protein forms E2301K.
Identifiers: ClinVar variation 52218 (VCV000052218.5), dbSNP rs80358915, ClinGen allele CA024549.

ClinVar aggregate classification (germline): Uncertain significance. Review status: criteria provided, single submitter (1 of 4 stars). 2 submissions from 2 submitters: Uncertain significance (1). 1 of the submissions does not count toward it. Last evaluated 2024-06-27.

Conditions:
Hereditary cancer-predisposing syndrome. Also called: Neoplastic Syndromes, Hereditary; Tumor predisposition; Hereditary neoplastic syndrome; Hereditary Cancer Syndrome. Identifiers: Orphanet 140162, MedGen C0027672, MeSH D009386, MONDO:0015356.
Breast-ovarian cancer, familial, susceptibility to, 2 (BROVCA2). Also called: BRCA2 Hereditary Breast and Ovarian Cancer. Identifiers: Orphanet 145, MedGen C2675520, MONDO:0012933, OMIM 612555. Disease mechanism: loss of function.

gnomAD v4.1: 2 of 1,583,276 alleles (0.00013%); highest among the groups gnomAD compares: Non-Finnish European, 0.00017%; no homozygotes.

Submissions (2):

Ambry Genetics
Classification: Uncertain significance for Hereditary cancer-predisposing syndrome. Last evaluated: 2024-06-27. Review status: criteria provided, single submitter. Criteria: Ambry Variant Classification Scheme 2023. Collection method: clinical testing. Allele origin: germline.
Comment: The c.6901G>A variant (also known as p.E2301K), located in coding exon 11 of the BRCA2 gene, results from a G to A substitution at nucleotide position 6901. The glutamic acid at codon 2301 is replaced by lysine, an amino acid with similar properties. In a study of 1854 high-risk breast and ovarian cancer families in Italy, this alteration was detected in 1 family (Azzollini J et al. Eur J Intern Med, 2016 Jul;32:65-71). This nucleotide position is well conserved in available vertebrate species. In silico splice site analysis predicts that this alteration may weaken the native splice donor site; however this exon may be clinically dispensable based on partially retained homology directed DNA repair activity (Meulemans L et al. Cancer Res, 2020 04;80:1374-1386). In addition, the literature describes a patient with a splice variant causing coding exon 11 skipping found in trans with a truncating BRCA2 variant in an individual without apparent Fanconi Anemia; although the degree of exon skipping is uncertain (Li L et al. Hum. Mutat., 2009 Nov;30:1543-50; Meulemans L et al. Cancer Res, 2020 04;80:1374-1386). Based on the available evidence, the clinical significance of this variant remains unclear.

Breast Cancer Information Core (BIC) (BRCA2)
Classification: Uncertain significance for Breast-ovarian cancer, familial 2. Last evaluated: 2004-03-30. Review status: no assertion criteria provided. Collection method: clinical testing. Allele origin: germline. Affected: yes. Observed: 1 variant allele. Not counted in ClinVar's aggregate classification.

Literature cited by the submitters: PubMed 19795481 (cited by Ambry Genetics); PubMed 27062684 (cited by Ambry Genetics); PubMed 32046981 (cited by Ambry Genetics).